The following is an entry in ClinVar:

ClinVar aggregate classification (germline): Likely benign. Review status: criteria provided, multiple submitters, no conflicts (2 of 4 stars). 5 submissions from 5 submitters: Likely benign (5). Last evaluated 2026-01-13.

Conditions:
CEP290-related disorder. Also called: CEP290-related disorders; CEP290-related condition. Identifiers: MedGen CN239314.
Joubert syndrome 5 (JBTS5). Identifiers: Orphanet 2318, MedGen C1857780, MONDO:0012432, OMIM 610188.
Senior-Loken syndrome 6 (SLSN6). Identifiers: Orphanet 3156, MedGen C1857779, MONDO:0012433, OMIM 610189.
Bardet-Biedl syndrome 14 (BBS14). Identifiers: Orphanet 110, MedGen C2673874, MONDO:0014442, OMIM 615991.
Leber congenital amaurosis 10 (LCA10). Identifiers: Orphanet 65, MedGen C1857821, MONDO:0012723, OMIM 611755.
Meckel syndrome, type 4 (MKS4). Also called: MECKEL-GRUBER SYNDROME, TYPE 4. Identifiers: Orphanet 564, MedGen C1970161, MONDO:0012626, OMIM 611134.
Meckel-Gruber syndrome. Also called: GRUBER SYNDROME; DYSENCEPHALIA SPLANCHNOCYSTICA; Dysencephalia splachnocystica. Identifiers: Orphanet 564, MedGen C0265215, MONDO:0018921.
Joubert syndrome. Also called: JOUBERT-BOLTSHAUSER SYNDROME; Familial aplasia of the vermis. Identifiers: Orphanet 475, MedGen C5979921, MONDO:0018772.
Nephronophthisis. Also called: Juvenile Nephronophthisis. Identifiers: Orphanet 655, MedGen C0687120, MONDO:0019005, HP:0000090.

Allele frequency attached by ClinVar (database versions not stated): gnomAD 0.00001; gnomAD exomes 0.00001; TOPMed 0.00002.
gnomAD v4.1: 2 of 1,533,696 alleles (0.00013%); highest among the groups gnomAD compares: Admixed American, 0.0024%; no homozygotes.

Submissions (5):

Labcorp Genetics (formerly Invitae), Labcorp
Classification: Likely benign for Joubert syndrome; Meckel-Gruber syndrome; Nephronophthisis. Last evaluated: 2026-01-13. Review status: criteria provided, single submitter. Criteria: Invitae Variant Classification Sherloc (09022015). Collection method: clinical testing. Allele origin: germline.

PreventionGenetics, part of Exact Sciences
Classification: Likely benign for CEP290-related condition. Last evaluated: 2025-11-19. Review status: criteria provided, single submitter. Criteria: ACMG Guidelines, 2015. Collection method: clinical testing. Allele origin: germline.
Comment: This variant is classified as likely benign based on ACMG/AMP sequence variant interpretation guidelines (Richards et al. 2015 PMID: 25741868, with internal and published modifications).

Blueprint Genetics
Classification: Likely benign. Last evaluated: 2024-09-24. Review status: criteria provided, single submitter. Criteria: ACMG Guidelines, 2015. Collection method: clinical testing. Allele origin: germline.

Fulgent Genetics
Classification: Likely benign for Joubert syndrome 5; Senior-Loken syndrome 6; Meckel syndrome, type 4; Leber congenital amaurosis 10; Bardet-Biedl syndrome 14. Last evaluated: 2021-12-23. Review status: criteria provided, single submitter. Criteria: ACMG Guidelines, 2015. Collection method: clinical testing. Allele origin: unknown.

GeneDx
Classification: Likely benign. Last evaluated: 2018-01-12. Review status: criteria provided, single submitter. Criteria: GeneDx Variant Classification (06012015). Collection method: clinical testing. Allele origin: germline. Affected: yes.
Comment: This variant is considered likely benign or benign based on one or more of the following criteria: it is a conservative change, it occurs at a poorly conserved position in the protein, it is predicted to be benign by multiple in silico algorithms, and/or has population frequency not consistent with disease.

NM_025114.4(CEP290):c.4441C>T (p.Leu1481=)

Gene: CEP290 (centrosomal protein 290; minus strand). Cytogenetic location: 12q21.32.
Variant type: single nucleotide variant.
Coding change: c.4441C>T on transcript NM_025114.4 (MANE Select); coding-DNA position 4441, C replaced by T.
Protein change: p.Leu1481=; no amino-acid change (leucine 1481 retained).
Molecular consequence: synonymous variant.
Genome position (GRCh38, 1-based): chr12:88,084,849, G>A on the plus strand (C>T on the coding strand, the complement: CEP290 is on the minus strand). VCF-style: chr12-88084849-G-A. GRCh37 (hg19) VCF-style: chr12-88478626-G-A.
Identifiers: ClinVar variation 514745 (VCV000514745.15), dbSNP rs1220385672, ClinGen allele CA481076686.
Genomic context (GRCh38, chr12:88,084,849, plus strand): 5'-CTTTGTCTCTTGACAGTATATTTTGTTCTGCTAACCTTAAAGCAGATTCTTTCTCTTTTA[G>A]TTTCTGCAATGATTAAATTATAATAAATCATTAAAGTATCTTTTTCCCTTTAAAATGCTT-3'
Protein context (NP_079390.3, residues 1471-1491): RATCKSLEEK[Leu1481=]KEKESALRLA